The following is an entry in ClinVar:

NM_198506.5(LRIT3):c.1157T>G (p.Leu386Arg)

Gene: LRIT3 (leucine rich repeat, Ig-like and transmembrane domains 3; plus strand). Cytogenetic location: 4q25.
Variant type: single nucleotide variant.
Coding change: c.1157T>G on transcript NM_198506.5 (MANE Select); coding-DNA position 1157, T replaced by G.
Protein change: p.Leu386Arg; replaces leucine 386 with arginine.
Molecular consequence: missense variant.
Genome position (GRCh38, 1-based): chr4:109,869,906, T>G. VCF-style: chr4-109869906-T-G. GRCh37 (hg19) VCF-style: chr4-110791062-T-G.
Other names: c.1022T>G (NM_198506.2); short protein forms L386R.
Identifiers: ClinVar variation 347188 (VCV000347188.12), dbSNP rs151283521, ClinGen allele CA3043144.

ClinVar aggregate classification (germline): Uncertain significance. Review status: criteria provided, multiple submitters, no conflicts (2 of 4 stars). 3 submissions from 3 submitters: Uncertain significance (3). Last evaluated 2024-10-29.

Conditions:
Congenital stationary night blindness 1F. Also called: Night blindness, congenital stationary (complete), 1F, autosomal recessive. Identifiers: Orphanet 215, MedGen C3554399, MONDO:0014026, OMIM 615058.
Inborn genetic diseases. Identifiers: MedGen C0950123, MeSH D030342.

Allele frequency attached by ClinVar (database versions not stated): gnomAD exomes below 0.00001 and 0.00001; gnomAD 0.00001 and 0.00002; ExAC 0.00003; TOPMed 0.00007; ESP Exome Variant Server 0.00008; 1000 Genomes Project 30x 0.00016; 1000 Genomes Project 0.00020.
gnomAD v4.1: 13 of 1,614,138 alleles (0.00081%); highest among the groups gnomAD compares: African/African-American, 0.0053%; no homozygotes.

Submissions (3):

Labcorp Genetics (formerly Invitae), Labcorp
Classification: Uncertain significance. Last evaluated: 2024-10-29. Review status: criteria provided, single submitter. Criteria: Invitae Variant Classification Sherloc (09022015). Collection method: clinical testing. Allele origin: germline.
Comment: This sequence change replaces leucine, which is neutral and non-polar, with arginine, which is basic and polar, at codon 386 of the LRIT3 protein (p.Leu386Arg). This variant is present in population databases (rs151283521, gnomAD 0.01%). This variant has not been reported in the literature in individuals affected with LRIT3-related conditions. ClinVar contains an entry for this variant (Variation ID: 347188). An algorithm developed to predict the effect of missense changes on protein structure and function (PolyPhen-2) suggests that this variant is likely to be tolerated. In summary, the available evidence is currently insufficient to determine the role of this variant in disease. Therefore, it has been classified as a Variant of Uncertain Significance.

Ambry Genetics
Classification: Uncertain significance for Inborn genetic diseases. Last evaluated: 2023-03-22. Review status: criteria provided, single submitter. Criteria: Ambry Variant Classification Scheme 2023. Collection method: clinical testing. Allele origin: germline.

Illumina Laboratory Services, Illumina
Classification: Uncertain significance for Congenital stationary night blindness 1F. Last evaluated: 2018-01-13. Review status: criteria provided, single submitter. Criteria: ICSL Variant Classification Criteria 13 December 2019. Collection method: clinical testing. Allele origin: germline.